The following is an entry in ClinVar:

NM_018062.4(FANCL):c.344T>C (p.Ile115Thr)

Gene: FANCL (FA complementation group L; minus strand). Cytogenetic location: 2p16.1.
Variant type: single nucleotide variant.
Coding change: c.344T>C on transcript NM_018062.4 (MANE Select); coding-DNA position 344, T replaced by C.
Protein change: p.Ile115Thr; replaces isoleucine 115 with threonine.
Molecular consequence: missense variant.
Genome position (GRCh38, 1-based): chr2:58,221,972, A>G on the plus strand (T>C on the coding strand, the complement: FANCL is on the minus strand). VCF-style: chr2-58221972-A-G. GRCh37 (hg19) VCF-style: chr2-58449107-A-G.
Other names: c.344T>C, p.Ile115Thr (NM_001114636.2, NM_001374615.1, NM_001410792.1); short protein forms I115T.
Identifiers: ClinVar variation 408226 (VCV000408226.7), dbSNP rs1060501895, ClinGen allele CA16610989.
Genomic context (GRCh38, chr2:58,221,972, plus strand): 5'-CATTTAAAACATATTTTAAAACAGACATACTTATCCCAACCAAGAGTTCCTATCTCTTCA[A>G]TAAGGCTTGAGTAGAACTGGGGAGGAGGAGGTAGTGCATACAGCTCTTGTCTATTCTTTA-3'
Protein context (NP_060532.2, residues 105-125): PPPPQFYSSL[Ile115Thr]EEIGTLGWDK

ClinVar aggregate classification (germline): Uncertain significance. Review status: criteria provided, multiple submitters, no conflicts (2 of 4 stars). 2 submissions from 2 submitters: Uncertain significance (2). Last evaluated 2021-12-13.

Conditions:
Fanconi anemia (FA). Also called: Fanconi's anemia. Identifiers: Orphanet 84, MedGen C0015625, MeSH D005199, MONDO:0019391.

Allele frequency attached by ClinVar (database versions not stated): gnomAD exomes below 0.00001; TOPMed below 0.00001; gnomAD 0.00001.
gnomAD v4.1: 2 of 1,613,234 alleles (0.00012%); highest among the groups gnomAD compares: Admixed American, 0.0017%; no homozygotes.

Submissions (2):

Sema4
Classification: Uncertain significance for Fanconi anemia. Last evaluated: 2021-12-13. Review status: criteria provided, single submitter. Criteria: Sema4 Curation Guidelines. Collection method: curation. Allele origin: germline.
Comment: The FANCL c.344T>C (p.I115T) variant has been reported in at least one individual with clonal hematopoiesis (PMID: 34647594). It was not observed in the large and broad cohorts of the Genome Aggregation Database. The variant has been reported in ClinVar (Variation ID: 408226). Functional studies have not been performed, and in silico predictions of the variant's effect on protein function are inconclusive. The evidence is insufficient to meet ACMG/AMP criteria for classifying the variant as benign or pathogenic. Thus, the clinical significance of this variant is currently uncertain.

Labcorp Genetics (formerly Invitae), Labcorp
Classification: Uncertain significance for Fanconi anemia. Last evaluated: 2021-08-13. Review status: criteria provided, single submitter. Criteria: Invitae Variant Classification Sherloc (09022015). Collection method: clinical testing. Allele origin: germline.
Comment: This sequence change replaces isoleucine with threonine at codon 115 of the FANCL protein (p.Ile115Thr). The isoleucine residue is weakly conserved and there is a moderate physicochemical difference between isoleucine and threonine. This variant is not present in population databases (ExAC no frequency). This variant has not been reported in the literature in individuals affected with FANCL-related conditions. Algorithms developed to predict the effect of missense changes on protein structure and function are either unavailable or do not agree on the potential impact of this missense change (SIFT: "Deleterious"; PolyPhen-2: "Possibly Damaging"; Align-GVGD: "Class C0"). In summary, the available evidence is currently insufficient to determine the role of this variant in disease. Therefore, it has been classified as a Variant of Uncertain Significance.

Literature cited by the submitters: PubMed 34647594 (cited by Sema4).